The following is an entry in ClinVar:

NM_002878.4(RAD51D):c.145-7T>A

Genes: RAD51D (RAD51 paralog D; minus strand), RAD51L3-RFFL (RAD51L3-RFFL readthrough; minus strand). Cytogenetic location: 17q12.
Variant type: single nucleotide variant.
Coding change: c.145-7T>A on transcript NM_002878.4 (MANE Select); 7 bases into the intron before coding-DNA position 145, T replaced by A.
Molecular consequence: intron variant.
Genome position (GRCh38, 1-based): chr17:35,118,626, A>T on the plus strand (T>A on the coding strand, the complement: RAD51D is on the minus strand). VCF-style: chr17-35118626-A-T. GRCh37 (hg19) VCF-style: chr17-33445645-A-T.
Other names: c.144+485T>A (NM_133629.3, NM_001142571.2).
Identifiers: ClinVar variation 418747 (VCV000418747.2), dbSNP rs1064793407, ClinGen allele CA16620389.

ClinVar aggregate classification (germline): Uncertain significance (1 of 4 stars; one submission).

Submission:

GeneDx
Classification: Uncertain significance. Last evaluated: 2015-03-26. Review status: criteria provided, single submitter. Criteria: GeneDx Variant Classification (06012015). Collection method: clinical testing. Allele origin: germline. Affected: yes.
Comment: This variant is denoted RAD51D c.145-7T>A or IVS2-7T>A and consists of a T>A nucleotide substitution at the -7 position of intron 2 of the RAD51D gene. Multiple in silico models predict this variant to weaken the nearby natural acceptor site, and to possibly cause abnormal gene splicing. This variant has not, to our knowledge, been published in the literature as pathogenic or benign. RAD51D c.145-7T>A was not observed in approximately 6,500 individuals of European and African American ancestry in the NHLBI Exome Sequencing Project, suggesting it is not a common benign variant in these populations. The thymine (T) nucleotide that is altered is conserved across species. Based on currently available information, it is unclear whether RAD51D c.145-7T>A is pathogenic or benign. We consider it to be a variant of uncertain significance.